The following is an entry in ClinVar:

ClinVar aggregate classification (germline): Likely benign. Review status: criteria provided, multiple submitters, no conflicts (2 of 4 stars). 2 submissions from 2 submitters: Likely benign (2). Last evaluated 2026-04-06.

Conditions:
ABCA4-related disorder. Also called: ABCA4-related disorders; ABCA4-related condition. Identifiers: MedGen CN239167.

Allele frequency attached by ClinVar (database versions not stated): TOPMed 0.00004; gnomAD exomes 0.00001; gnomAD 0.00003.

Submissions (2):

PreventionGenetics, part of Exact Sciences
Classification: Likely benign for ABCA4-related condition. Last evaluated: 2026-04-06. Review status: criteria provided, single submitter. Criteria: ACMG Guidelines, 2015. Collection method: clinical testing. Allele origin: germline.
Comment: This variant is classified as likely benign based on ACMG/AMP sequence variant interpretation guidelines (Richards et al. 2015 PMID: 25741868, with internal and published modifications).

Labcorp Genetics (formerly Invitae), Labcorp
Classification: Likely benign. Last evaluated: 2024-02-25. Review status: criteria provided, single submitter. Criteria: Invitae Variant Classification Sherloc (09022015). Collection method: clinical testing. Allele origin: germline.

NM_000350.3(ABCA4):c.4509C>T (p.Pro1503=)

Gene: ABCA4 (ATP binding cassette subfamily A member 4; minus strand). Cytogenetic location: 1p22.1.
Variant type: single nucleotide variant.
Coding change: c.4509C>T on transcript NM_000350.3 (MANE Select); coding-DNA position 4509, C replaced by T.
Protein change: p.Pro1503=; no amino-acid change (proline 1503 retained).
Molecular consequence: synonymous variant.
Genome position (GRCh38, 1-based): chr1:94,029,475, G>A on the plus strand (C>T on the coding strand, the complement: ABCA4 is on the minus strand). VCF-style: chr1-94029475-G-A. GRCh37 (hg19) VCF-style: chr1-94495031-G-A.
Other names: c.4287C>T, p.Pro1429= (NM_001425324.1); c.4509C>T (NM_000350.2).
Identifiers: ClinVar variation 1078496 (VCV001078496.10), dbSNP rs886988868, ClinGen allele CA26853471.
Genomic context (GRCh38, chr1:94,029,475, plus strand): 5'-CTGGGGCCCCGTTGTTTGGAGGTCAGGTACCTGGGGGGGCGGGAGGCCCCCGGCACCCTC[G>A]GGGCACTCTGGCAGCATGGTGAGCTTCTCCCTGGTGCTGCACCTGCAGGATGGTGAAGGG-3'
Protein context (NP_000341.2, residues 1493-1513): REKLTMLPEC[Pro1503=]EGAGGLPPPQ